The following is an entry in ClinVar:

NM_194454.3(KRIT1):c.1988A>G (p.Asn663Ser)

Gene: KRIT1 (KRIT1 ankyrin repeat containing; minus strand). Cytogenetic location: 7q21.2.
Variant type: single nucleotide variant.
Coding change: c.1988A>G on transcript NM_194454.3 (MANE Select); coding-DNA position 1988, A replaced by G.
Protein change: p.Asn663Ser; replaces asparagine 663 with serine.
Molecular consequence: missense variant.
Genome position (GRCh38, 1-based): chr7:92,213,232, T>C on the plus strand (A>G on the coding strand, the complement: KRIT1 is on the minus strand). VCF-style: chr7-92213232-T-C. GRCh37 (hg19) VCF-style: chr7-91842546-T-C.
Other names: c.1844A>G, p.Asn615Ser (NM_001013406.2, NM_001350669.1, NM_001350670.1); c.1274A>G, p.Asn425Ser (NM_001350671.1); c.1988A>G, p.Asn663Ser (NM_001350672.1, NM_001350673.1, NM_001350674.1 and 26 more transcripts); short protein forms N663S, N425S, N615S.
Identifiers: ClinVar variation 590727 (VCV000590727.12), dbSNP rs202120786, ClinGen allele CA4338990.
Genomic context (GRCh38, chr7:92,213,232, plus strand): 5'-GTAAAAAAGAGCTGAAAATCTACCTTAGTTTCCATGTTGAGGAGATGAAGTCCTTTTATA[T>C]TCACTCCTACATACACAGGGATGACTTTATGATTGCTGGGGCTTGCCTTTGTAAATATCT-3'
Protein context (NP_919436.1, residues 653-673): HKVIPVYVGV[Asn663Ser]IKGLHLLNME

ClinVar aggregate classification (germline): Conflicting classifications of pathogenicity. Review status: criteria provided, conflicting classifications (1 of 4 stars). 5 submissions from 5 submitters: Uncertain significance (4); Likely benign (1). Last evaluated 2025-11-01.

Conditions:
Cerebral cavernous malformation (CCM). Also called: Cerebral cavernous malformations; CAVERNOUS ANGIOMA, FAMILIAL; CAVERNOUS ANGIOMATOUS MALFORMATIONS; Cavernous Hemangioma of Brain; CEREBRAL CAPILLARY MALFORMATIONS; Cerebral cavernous hemangioma (type). Identifiers: Orphanet 221061, MedGen C2919945, MONDO:0000820, OMIM 116860, HP:0033522.

Allele frequency attached by ClinVar (database versions not stated): gnomAD exomes 0.00008 and 0.00007; ExAC 0.00012; TOPMed 0.00005; gnomAD 0.00006.
gnomAD v4.1: 107 of 1,613,210 alleles (0.0066%); highest among the groups gnomAD compares: South Asian, 0.048%; 1 homozygote.

Submissions (5):

CeGaT Center for Human Genetics Tuebingen
Classification: Likely benign. Last evaluated: 2025-11-01. Review status: criteria provided, single submitter. Criteria: CeGaT Center For Human Genetics Tuebingen Variant Classification Criteria Version 2. Collection method: clinical testing. Allele origin: germline. Affected: yes. Observed: 1 variant allele.
Comment: KRIT1: BS2

Clinical Genomics Laboratory, Washington University in St. Louis
Classification: Uncertain significance for Cerebral cavernous malformation. Last evaluated: 2025-01-23. Review status: criteria provided, single submitter. Criteria: ACMG Guidelines, 2015. Collection method: clinical testing. Allele origin: germline.
Comment: A KRIT1 c.1988A>G (p.Asn663Ser) variant was identified at a near heterozygous allelic fraction of 48.5%, a frequency which may be consistent with it being of germline origin. This variant has been described in cis with a pathogenic KRIT1 c.1739del (p.Asn580Ilefs*2) variant in three related individuals, two of whom had cavernous malformations (Algattas H et al., PMID: 32434131). This variant has been reported in the ClinVar database as a germline variant of uncertain significance by two submitters (Variation ID: 1044770). This variant is observed on 107/1,613,210 alleles in the general population (gnomAD v4.1.0), including a single homozygous individual. Computational predictors are uncertain as to the impact of this variant on KRIT1 function. Due to limited information and based on the ACMG/AMP guidelines for variant interpretation (Richards S et al., PMID: 25741868), the clinical significance of the KRIT1 c.1988A>G (p.Asn663Ser) variant is uncertain at this time.

Labcorp Genetics (formerly Invitae), Labcorp
Classification: Uncertain significance for Cerebral cavernous malformation. Last evaluated: 2024-09-12. Review status: criteria provided, single submitter. Criteria: Invitae Variant Classification Sherloc (09022015). Collection method: clinical testing. Allele origin: germline.
Comment: This sequence change replaces asparagine, which is neutral and polar, with serine, which is neutral and polar, at codon 663 of the KRIT1 protein (p.Asn663Ser). This variant is present in population databases (rs202120786, gnomAD 0.06%), and has an allele count higher than expected for a pathogenic variant. This variant has not been reported in the literature in individuals affected with KRIT1-related conditions. ClinVar contains an entry for this variant (Variation ID: 590727). Invitae Evidence Modeling of protein sequence and biophysical properties (such as structural, functional, and spatial information, amino acid conservation, physicochemical variation, residue mobility, and thermodynamic stability) indicates that this missense variant is not expected to disrupt KRIT1 protein function with a negative predictive value of 80%. In summary, the available evidence is currently insufficient to determine the role of this variant in disease. Therefore, it has been classified as a Variant of Uncertain Significance.

Women's Health and Genetics/Laboratory Corporation of America, LabCorp
Classification: Uncertain significance. Last evaluated: 2024-09-09. Review status: criteria provided, single submitter. Criteria: LabCorp Variant Classification Summary - May 2015. Collection method: clinical testing. Allele origin: germline.
Comment: Variant summary: KRIT1 c.1988A>G (p.Asn663Ser) results in a conservative amino acid change in the encoded protein sequence. Three of five in-silico tools predict a damaging effect of the variant on protein function. The variant allele was found at a frequency of 8.4e-05 in 250908 control chromosomes. This frequency is not significantly higher than estimated for a pathogenic variant in KRIT1 causing KRIT1-Related Disorders, allowing no conclusion about variant significance. c.1988A>G has been reported in the literature in individuals affected with KRIT1-Related Disorders (Algattas_2020). However, the variant was found to co-occur with a truncating variant on the same allele. These report(s) do not provide unequivocal conclusions about association of the variant with KRIT1-Related Disorders. To our knowledge, no experimental evidence demonstrating an impact on protein function has been reported. The following publication has been ascertained in the context of this evaluation (PMID: 32434131). ClinVar contains an entry for this variant (Variation ID: 590727). Based on the evidence outlined above, the variant was classified as uncertain significance.

PreventionGenetics, part of Exact Sciences
Classification: Uncertain significance. Last evaluated: 2018-03-26. Review status: criteria provided, single submitter. Criteria: ACMG Guidelines, 2015. Collection method: clinical testing. Allele origin: germline.

Literature cited by the submitters: PubMed 32434131 (cited by Women's Health and Genetics/Laboratory Corporation of America, LabCorp).